The following is an entry in ClinVar:

NM_001115016.3(KANSL3):c.1409G>T (p.Gly470Val)

Genes: KANSL3 (KAT8 regulatory NSL complex subunit 3; minus strand), LOC126806274 (MED14-independent group 3 enhancer GRCh37_chr2:97273727-97274926; plus strand). Cytogenetic location: 2q11.2.
Variant type: single nucleotide variant.
Coding change: c.1409G>T on transcript NM_001115016.3 (MANE Select); coding-DNA position 1409, G replaced by T.
Protein change: p.Gly470Val; replaces glycine 470 with valine.
Molecular consequence: missense variant. On other transcripts: non-coding transcript variant (11).
Genome position (GRCh38, 1-based): chr2:96,609,039, C>A on the plus strand (G>T on the coding strand, the complement: KANSL3 is on the minus strand). VCF-style: chr2-96609039-C-A. GRCh37 (hg19) VCF-style: chr2-97274776-C-A.
Other names: NR_146102.2:n.1451G>T; c.1409G>T, p.Gly470Val (NM_001349256.2, NM_001349257.2, NM_001349258.2); c.1148G>T, p.Gly383Val (NM_001349259.2); c.791G>T, p.Gly264Val (NM_001349260.2); c.725G>T, p.Gly242Val (NM_001349261.2, NM_001349262.2); short protein forms G242V, G264V, G383V, G470V.
Identifiers: ClinVar variation 3252057 (VCV003252057.1), dbSNP rs2068443939.

ClinVar aggregate classification (germline): Uncertain significance (1 of 4 stars; one submission).

Conditions:
Neurodevelopmental disorder. Identifiers: MedGen C1535926, MeSH D065886, MONDO:0700092.

Allele frequency attached by ClinVar (database versions not stated): gnomAD exomes below 0.00001; TOPMed 0.00001.
gnomAD v4.1: 5 of 1,562,056 alleles (0.00032%); highest among the groups gnomAD compares: South Asian, 0.0059%; no homozygotes.

Submission:

Broad Center for Mendelian Genomics, Broad Institute of MIT and Harvard
Classification: Uncertain significance for Neurodevelopmental disorder. Last evaluated: 2024-06-19. Review status: criteria provided, single submitter. Criteria: ACMG Guidelines, 2015. Collection method: curation. Allele origin: germline. Inheritance: Autosomal recessive inheritance. Study: GREGoR Consortium.
Comment: While this gene is still lacking sufficient evidence to establish a gene-disease relationship, we believe this is a possible novel gene candidate for neurodevelopmental disorders. Given the limited information about this gene-disease relationship, the significance of the p.Gly470Val variant is uncertain. If you have any additional information about functional evidence or other individuals with this phenotype that also have variants in KANSL3 we encourage you to reach out to us.